The following is an entry in ClinVar:

ClinVar aggregate classification (germline): Uncertain significance. Review status: criteria provided, multiple submitters, no conflicts (2 of 4 stars). 2 submissions from 2 submitters: Uncertain significance (2). Last evaluated 2026-08-07.

Conditions:
Thrombocytopenia 5 (THC5). Also called: THROMBOCYTOPENIA 5 WITH INCREASED SUSCEPTIBILITY TO MALIGNANCY; THROMBOCYTOPENIA, AUTOSOMAL DOMINANT, 5. Identifiers: MedGen C4015537, MONDO:0014536, OMIM 616216.
Inborn genetic diseases. Identifiers: MedGen C0950123, MeSH D030342.

Submissions (2):

Ambry Genetics
Classification: Uncertain significance for Inborn genetic diseases. Last evaluated: 2026-08-07. Review status: criteria provided, single submitter. Criteria: Ambry Variant Classification Scheme 2023. Collection method: clinical testing. Allele origin: germline.
Comment: The p.P136A variant (also known as c.406C>G), located in coding exon 4 of the ETV6 gene, results from a C to G substitution at nucleotide position 406. The proline at codon 136 is replaced by alanine, an amino acid with highly similar properties. This amino acid position is conserved. In addition, this alteration is predicted to be tolerated by in silico analysis. Based on the available evidence, the clinical significance of this variant remains unclear.

Baylor Genetics
Classification: Uncertain significance for Thrombocytopenia 5. Last evaluated: 2019-12-26. Review status: criteria provided, single submitter. Criteria: ACMG Guidelines, 2015. Collection method: clinical testing. Allele origin: unknown. Affected: yes.
Comment: This variant was determined to be of uncertain significance according to ACMG Guidelines, 2015 [PMID:25741868].

NM_001987.5(ETV6):c.406C>G (p.Pro136Ala)

Gene: ETV6 (ETS variant transcription factor 6; plus strand). Cytogenetic location: 12p13.2.
Variant type: single nucleotide variant.
Coding change: c.406C>G on transcript NM_001987.5 (MANE Select); coding-DNA position 406, C replaced by G.
Protein change: p.Pro136Ala; replaces proline 136 with alanine.
Molecular consequence: missense variant.
Genome position (GRCh38, 1-based): chr12:11,853,504, C>G. VCF-style: chr12-11853504-C-G. GRCh37 (hg19) VCF-style: chr12-12006438-C-G.
Other names: short protein forms P136A.
Identifiers: ClinVar variation 1030502 (VCV001030502.2), dbSNP rs1946587466, ClinGen allele CA384043134.
Genomic context (GRCh38, chr12:11,853,504, plus strand): 5'-CTCCTTCAGCATATTCTGAAGCAGAGGAAACCTCGGATTCTTTTTTCACCATTCTTCCAC[C>G]CTGGAAACTCTATACACACACAGCCGGAGGTCATACTGCATCAGAACCATGAAGAAGGTA-3'
Protein context (NP_001978.1, residues 126-146): PRILFSPFFH[Pro136Ala]GNSIHTQPEV